The following is an entry in ClinVar:

ClinVar aggregate classification (germline): Uncertain significance (1 of 4 stars; one submission).

Allele frequency attached by ClinVar (database versions not stated): gnomAD exomes below 0.00001.
gnomAD v4.1: 1 of 1,614,210 alleles (0.000062%); highest among the groups gnomAD compares: Non-Finnish European, 0.000085%; no homozygotes.

Submission:

Labcorp Genetics (formerly Invitae), Labcorp
Classification: Uncertain significance. Last evaluated: 2022-01-17. Review status: criteria provided, single submitter. Criteria: Invitae Variant Classification Sherloc (09022015). Collection method: clinical testing. Allele origin: germline.
Comment: This variant is not present in population databases (gnomAD no frequency). In summary, the available evidence is currently insufficient to determine the role of this variant in disease. Therefore, it has been classified as a Variant of Uncertain Significance. Algorithms developed to predict the effect of missense changes on protein structure and function (SIFT, PolyPhen-2, Align-GVGD) all suggest that this variant is likely to be tolerated. This variant has not been reported in the literature in individuals affected with TREM2-related conditions. This sequence change replaces proline, which is neutral and non-polar, with alanine, which is neutral and non-polar, at codon 59 of the TREM2 protein (p.Pro59Ala).

NM_018965.4(TREM2):c.175C>G (p.Pro59Ala)

Gene: TREM2 (triggering receptor expressed on myeloid cells 2; minus strand). Cytogenetic location: 6p21.1.
Variant type: single nucleotide variant.
Coding change: c.175C>G on transcript NM_018965.4 (MANE Select); coding-DNA position 175, C replaced by G.
Protein change: p.Pro59Ala; replaces proline 59 with alanine.
Molecular consequence: missense variant.
Genome position (GRCh38, 1-based): chr6:41,161,479, G>C on the plus strand (C>G on the coding strand, the complement: TREM2 is on the minus strand). VCF-style: chr6-41161479-G-C. GRCh37 (hg19) VCF-style: chr6-41129217-G-C.
Other names: c.175C>G, p.Pro59Ala (NM_001271821.2); short protein forms P59A.
Identifiers: ClinVar variation 1935382 (VCV001935382.5), dbSNP rs2532388475, ClinGen allele CA364059092.